The following is an entry in ClinVar:

ClinVar aggregate classification (germline): Uncertain significance (1 of 4 stars; one submission).

gnomAD v4.1: 101 of 1,610,194 alleles (0.0063%); highest among the groups gnomAD compares: East Asian, 0.22%; no homozygotes.

Submission:

Labcorp Genetics (formerly Invitae), Labcorp
Classification: Uncertain significance. Last evaluated: 2025-09-20. Review status: criteria provided, single submitter. Criteria: Invitae Variant Classification Sherloc (09022015). Collection method: clinical testing. Allele origin: germline.
Comment: This sequence change replaces valine, which is neutral and non-polar, with alanine, which is neutral and non-polar, at codon 652 of the GUF1 protein (p.Val652Ala). This variant is present in population databases (rs78099349, gnomAD 0.08%), and has an allele count higher than expected for a pathogenic variant. This variant has not been reported in the literature in individuals affected with GUF1-related conditions. An algorithm developed to predict the effect of missense changes on protein structure and function (PolyPhen-2) suggests that this variant is likely to be tolerated. In summary, the available evidence is currently insufficient to determine the role of this variant in disease. Therefore, it has been classified as a Variant of Uncertain Significance.

NM_021927.3(GUF1):c.1955T>C (p.Val652Ala)

Gene: GUF1 (GTP binding elongation factor GUF1; plus strand). Cytogenetic location: 4p12.
Variant type: single nucleotide variant.
Coding change: c.1955T>C on transcript NM_021927.3 (MANE Select); coding-DNA position 1955, T replaced by C.
Protein change: p.Val652Ala; replaces valine 652 with alanine.
Molecular consequence: missense variant.
Genome position (GRCh38, 1-based): chr4:44,698,626, T>C. VCF-style: chr4-44698626-T-C. GRCh37 (hg19) VCF-style: chr4-44700643-T-C.
Other names: c.983T>C, p.Val328Ala (NM_001345867.2, NM_001345869.2); c.1835T>C, p.Val612Ala (NM_001345868.2); short protein forms V328A, V612A, V652A.
Identifiers: ClinVar variation 4701161 (VCV004701161.1).
Genomic context (GRCh38, chr4:44,698,626, plus strand): 5'-AAATGAAGCTTTTGAAGAGACAAGCAGAAGGGAAAAAAAAGCTGAGGAAAATTGGCAACG[T>C]TGAAGTTCCAAAAGATGCTTTTATAAAAGTTCTGAAAACACAATCTTCTAAATAATTGGT-3'
Protein context (NP_068746.2, residues 642-662): GKKKLRKIGN[Val652Ala]EVPKDAFIKV